The following is an entry in ClinVar:

NM_016006.6(ABHD5):c.*2324G>T

Gene: ABHD5 (abhydrolase domain containing 5, lysophosphatidic acid acyltransferase; plus strand). Cytogenetic location: 3p21.33.
Variant type: single nucleotide variant.
Coding change: c.*2324G>T on transcript NM_016006.6 (MANE Select); 2324 bases downstream of the stop codon, G replaced by T.
Molecular consequence: 3 prime UTR variant. On other transcripts: non-coding transcript variant (1), intron variant (1).
Genome position (GRCh38, 1-based): chr3:43,720,856, G>T. VCF-style: chr3-43720856-G-T. GRCh37 (hg19) VCF-style: chr3-43762348-G-T.
Other names: c.*2324G>T (NM_001365649.1); c.*2350G>T (NM_001365650.1); c.29+2295G>T (NM_001355186.2).
Identifiers: ClinVar variation 345260 (VCV000345260.5), dbSNP rs17075919, ClinGen allele CA10615904.

ClinVar aggregate classification (germline): Benign (1 of 4 stars; one submission).

Conditions:
Triglyceride storage disease with ichthyosis (CDS). Also called: Dorfman-Chanarin disease; ICHTHYOSIFORM ERYTHRODERMA WITH LEUKOCYTE VACUOLATION; TRIGLYCERIDE STORAGE DISEASE WITH IMPAIRED LONG-CHAIN FATTY ACID OXIDATION; Chanarin-Dorfman Syndrome. Identifiers: Orphanet 98907, MedGen C0268238, MONDO:0010155, OMIM 275630.

Allele frequency attached by ClinVar (database versions not stated): gnomAD 0.07370; TOPMed 0.09214; 1000 Genomes Project 30x 0.13944; 1000 Genomes Project 0.14038.

Submission:

Illumina Laboratory Services, Illumina
Classification: Benign for Triglyceride storage disease with ichthyosis. Last evaluated: 2018-01-13. Review status: criteria provided, single submitter. Criteria: ICSL Variant Classification Criteria 13 December 2019. Collection method: clinical testing. Allele origin: germline.
Comment: This variant was observed in the ICSL laboratory as part of a predisposition screen in an ostensibly healthy population. It had not been previously curated by ICSL or reported in the Human Gene Mutation Database (HGMD: prior to June 1st, 2018), and was therefore a candidate for classification through an automated scoring system. Utilizing variant allele frequency, disease prevalence and penetrance estimates, and inheritance mode, an automated score was calculated to assess if this variant is too frequent to cause the disease. Based on the score and internal cut-off values, a variant classified as benign is not then subjected to further curation. The score for this variant resulted in a classification of benign for this disease.